The following is an entry in ClinVar:

ClinVar aggregate classification (germline): Likely benign. Review status: criteria provided, multiple submitters, no conflicts (2 of 4 stars). 2 submissions from 2 submitters: Likely benign (2). Last evaluated 2026-08-07.

Conditions:
PHIP-related disorder. Also called: PHIP-related condition; PHIP-related disorders.

Allele frequency attached by ClinVar (database versions not stated): TOPMed 0.00001; ExAC 0.00002; gnomAD 0.00003.
gnomAD v4.1: 34 of 1,558,546 alleles (0.0022%); highest among the groups gnomAD compares: African/African-American, 0.0014%; no homozygotes.

Submissions (2):

PreventionGenetics, part of Exact Sciences
Classification: Likely benign for PHIP-related condition. Last evaluated: 2026-08-07. Review status: criteria provided, single submitter. Criteria: ACMG Guidelines, 2015. Collection method: clinical testing. Allele origin: germline.
Comment: This variant is classified as likely benign based on ACMG/AMP sequence variant interpretation guidelines (Richards et al. 2015 PMID: 25741868, with internal and published modifications).

Labcorp Genetics (formerly Invitae), Labcorp
Classification: Likely benign. Last evaluated: 2025-04-07. Review status: criteria provided, single submitter. Criteria: Invitae Variant Classification Sherloc (09022015). Collection method: clinical testing. Allele origin: germline.

NM_017934.7(PHIP):c.2466C>T (p.Gly822=)

Gene: PHIP (PHIP subunit of CUL4-Ring ligase complex; minus strand). Cytogenetic location: 6q14.1.
Variant type: single nucleotide variant.
Coding change: c.2466C>T on transcript NM_017934.7 (MANE Select); coding-DNA position 2466, C replaced by T.
Protein change: p.Gly822=; no amino-acid change (glycine 822 retained).
Molecular consequence: synonymous variant.
Genome position (GRCh38, 1-based): chr6:78,985,423, G>A on the plus strand (C>T on the coding strand, the complement: PHIP is on the minus strand). VCF-style: chr6-78985423-G-A. GRCh37 (hg19) VCF-style: chr6-79695140-G-A.
Other names: c.2466C>T (NM_017934.6).
Identifiers: ClinVar variation 2872689 (VCV002872689.4), dbSNP rs757432741, ClinGen allele CA3899936.